The following is an entry in ClinVar:

ClinVar aggregate classification (germline): Uncertain significance (1 of 4 stars; one submission).

Allele frequency attached by ClinVar (database versions not stated): gnomAD exomes 0.00002 and 0.00006; ExAC 0.00008; 1000 Genomes Project 0.00020; TOPMed 0.00027; gnomAD 0.00030 and 0.00031; 1000 Genomes Project 30x 0.00031; ESP Exome Variant Server 0.00054.
gnomAD v4.1: 74 of 1,610,948 alleles (0.0046%); highest among the groups gnomAD compares: African/African-American, 0.091%; no homozygotes.

Submission:

Labcorp Genetics (formerly Invitae), Labcorp
Classification: Uncertain significance. Last evaluated: 2026-01-27. Review status: criteria provided, single submitter. Criteria: Invitae Variant Classification Sherloc (09022015). Collection method: clinical testing. Allele origin: germline.
Comment: This sequence change replaces serine, which is neutral and polar, with phenylalanine, which is neutral and non-polar, at codon 818 of the MYLK3 protein (p.Ser818Phe). This variant is present in population databases (rs151025183, gnomAD 0.07%), and has an allele count higher than expected for a pathogenic variant. This variant has not been reported in the literature in individuals affected with MYLK3-related conditions. ClinVar contains an entry for this variant (Variation ID: 1430683). An algorithm developed to predict the effect of missense changes on protein structure and function (PolyPhen-2) suggests that this variant is likely to be disruptive. In summary, the available evidence is currently insufficient to determine the role of this variant in disease. Therefore, it has been classified as a Variant of Uncertain Significance.

NM_182493.3(MYLK3):c.2453C>T (p.Ser818Phe)

Gene: MYLK3 (myosin light chain kinase 3; minus strand). Cytogenetic location: 16q11.2.
Variant type: single nucleotide variant.
Coding change: c.2453C>T on transcript NM_182493.3 (MANE Select); coding-DNA position 2453, C replaced by T.
Protein change: p.Ser818Phe; replaces serine 818 with phenylalanine.
Molecular consequence: missense variant.
Genome position (GRCh38, 1-based): chr16:46,707,711, G>A on the plus strand (C>T on the coding strand, the complement: MYLK3 is on the minus strand). VCF-style: chr16-46707711-G-A. GRCh37 (hg19) VCF-style: chr16-46741623-G-A.
Other names: c.1430C>T, p.Ser477Phe (NM_001308301.1); short protein forms S477F, S818F.
Identifiers: ClinVar variation 1430683 (VCV001430683.6), dbSNP rs151025183, ClinGen allele CA8037592.